The following is an entry in ClinVar:

NM_006623.4(PHGDH):c.809G>A (p.Arg270Gln)

Gene: PHGDH (phosphoglycerate dehydrogenase; plus strand). Cytogenetic location: 1p12.
Variant type: single nucleotide variant.
Coding change: c.809G>A on transcript NM_006623.4 (MANE Select); coding-DNA position 809, G replaced by A.
Protein change: p.Arg270Gln; replaces arginine 270 with glutamine.
Molecular consequence: missense variant.
Genome position (GRCh38, 1-based): chr1:119,737,130, G>A. VCF-style: chr1-119737130-G-A. GRCh37 (hg19) VCF-style: chr1-120279753-G-A.
Other names: short protein forms R270Q.
Identifiers: ClinVar variation 874455 (VCV000874455.43), dbSNP rs375031910, ClinGen allele CA1037273.
Genomic context (GRCh38, chr1:119,737,130, plus strand): 5'-GCCAGTCCATGGCAGCCAACTTAGAGGTATCTCTTTCTGGGCAGGAGCCGCCACGGGACC[G>A]GGCCTTGGTGGACCATGAGAATGTCATCAGCTGTCCCCACCTGGGTGCCAGCACCAAGGA-3'
Protein context (NP_006614.2, residues 260-280): DVFTEEPPRD[Arg270Gln]ALVDHENVIS

ClinVar aggregate classification (germline): Uncertain significance. Review status: criteria provided, multiple submitters, no conflicts (2 of 4 stars). 6 submissions from 5 submitters: Uncertain significance (6). Last evaluated 2025-09-02.

Conditions:
PHGDH deficiency. Identifiers: Orphanet 79351, MedGen C1866174, MONDO:0011152, OMIM 601815.
Neu-Laxova syndrome 1 (NLS1). Identifiers: Orphanet 2671, Orphanet 583607, MedGen C4551478, MONDO:0009736, OMIM 256520. Disease mechanism: loss of function.
Inborn genetic diseases. Identifiers: MedGen C0950123, MeSH D030342.

Allele frequency attached by ClinVar (database versions not stated): ExAC 0.00003; gnomAD exomes 0.00004 and 0.00015; gnomAD 0.00006; TOPMed 0.00006; ESP Exome Variant Server 0.00008.
gnomAD v4.1: 241 of 1,614,040 alleles (0.015%); highest among the groups gnomAD compares: Non-Finnish European, 0.018%; no homozygotes.

Submissions (6):

Labcorp Genetics (formerly Invitae), Labcorp
Classification: Uncertain significance for PHGDH deficiency. Last evaluated: 2025-09-02. Review status: criteria provided, single submitter. Criteria: Invitae Variant Classification Sherloc (09022015). Collection method: clinical testing. Allele origin: germline.
Comment: This sequence change replaces arginine, which is basic and polar, with glutamine, which is neutral and polar, at codon 270 of the PHGDH protein (p.Arg270Gln). This variant is present in population databases (rs375031910, gnomAD 0.007%). This variant has not been reported in the literature in individuals affected with PHGDH-related conditions. ClinVar contains an entry for this variant (Variation ID: 874455). An algorithm developed to predict the effect of missense changes on protein structure and function outputs the following: PolyPhen-2: "Benign". The glutamine amino acid residue is found in multiple mammalian species, which suggests that this missense change does not adversely affect protein function. In summary, the available evidence is currently insufficient to determine the role of this variant in disease. Therefore, it has been classified as a Variant of Uncertain Significance.

Ambry Genetics
Classification: Uncertain significance for Inborn genetic diseases. Last evaluated: 2024-03-12. Review status: criteria provided, single submitter. Criteria: Ambry Variant Classification Scheme 2023. Collection method: clinical testing. Allele origin: germline.

Genome-Nilou Lab
Classification: Uncertain significance for Neu-Laxova syndrome 1. Last evaluated: 2023-04-11. Review status: criteria provided, single submitter. Criteria: ACMG Guidelines, 2015. Collection method: clinical testing. Allele origin: germline. Affected: no.

Genome-Nilou Lab
Classification: Uncertain significance for PHGDH deficiency. Last evaluated: 2023-04-11. Review status: criteria provided, single submitter. Criteria: ACMG Guidelines, 2015. Collection method: clinical testing. Allele origin: germline. Affected: no.

CeGaT Center for Human Genetics Tuebingen
Classification: Uncertain significance. Last evaluated: 2021-06-01. Review status: criteria provided, single submitter. Criteria: CeGaT Center For Human Genetics Tuebingen Variant Classification Criteria Version 2. Collection method: clinical testing. Allele origin: germline. Affected: yes. Observed: 1 variant allele.

Illumina Laboratory Services, Illumina
Classification: Uncertain significance for PHGDH deficiency. Last evaluated: 2018-01-13. Review status: criteria provided, single submitter. Criteria: ICSL Variant Classification Criteria 13 December 2019. Collection method: clinical testing. Allele origin: germline.